The following is an entry in ClinVar:

ClinVar aggregate classification (germline): Pathogenic. Review status: criteria provided, multiple submitters, no conflicts (2 of 4 stars). 7 submissions from 7 submitters: Pathogenic (5). 2 of the submissions do not count toward it. Last evaluated 2025-09-16.

Conditions:
Hereditary cancer-predisposing syndrome. Also called: Tumor predisposition; Hereditary neoplastic syndrome; Hereditary Cancer Syndrome; Neoplastic Syndromes, Hereditary. Identifiers: Orphanet 140162, MedGen C0027672, MeSH D009386, MONDO:0015356.
Hereditary breast ovarian cancer syndrome. Also called: Hereditary breast and/or ovarian cancer syndrome; Breast and ovarian cancer; Hereditary breast and ovarian cancer syndrome; Hereditary breast and ovarian cancer; Hereditary breast and ovarian cancer syndrome (HBOC); BRCA1- and BRCA2-Associated Hereditary Breast and Ovarian Cancer. Identifiers: Orphanet 145, MedGen C0677776, MeSH D061325, MONDO:0003582. Disease mechanism: loss of function.
Breast-ovarian cancer, familial, susceptibility to, 1 (BROVCA1). Also called: BRCA1 Hereditary Breast and Ovarian Cancer; OVARIAN CANCER, SUSCEPTIBILITY TO. Identifiers: Orphanet 145, MedGen C2676676, MONDO:0011450, OMIM 604370. Disease mechanism: loss of function.

Submissions (8):

Ambry Genetics
Classification: Pathogenic for Hereditary cancer-predisposing syndrome. Last evaluated: 2025-09-16. Review status: criteria provided, single submitter. Criteria: Ambry Variant Classification Scheme 2023. Collection method: clinical testing. Allele origin: germline.
Comment: The c.5152+1G>A intronic pathogenic mutation (also known as IVS18+1G>A) results from a G to A substitution one nucleotide after coding exon 16 of the BRCA1 gene. Alterations that disrupt the canonical splice site are expected to result in aberrant splicing. In silico splice site analysis predicts that this alteration will weaken the native splice donor site. A resulting transcript is predicted to be in-frame and is not expected to trigger nonsense-mediated mRNAdecay; although, direct evidence is unavailable. However, the region predicted to be impacted is critical for protein function (Ambry internal data). This variant is considered to be rare based on population cohorts in the Genome Aggregation Database (gnomAD). This nucleotide position is highly conserved in available vertebrate species. Based on the supporting evidence, this variant is interpreted as a disease-causing mutation.

Labcorp Genetics (formerly Invitae), Labcorp
Classification: Pathogenic for Hereditary breast ovarian cancer syndrome. Last evaluated: 2023-03-07. Review status: criteria provided, single submitter. Criteria: Invitae Variant Classification Sherloc (09022015). Collection method: clinical testing. Allele origin: germline.
Comment: Algorithms developed to predict the effect of variants on protein structure and function are not available or were not evaluated for this variant. This sequence change affects a donor splice site in intron 17 of the BRCA1 gene. RNA analysis indicates that disruption of this splice site induces altered splicing and likely results in a shortened protein product. This variant is not present in population databases (gnomAD no frequency). Disruption of this splice site has been observed in individual(s) with personal and/or family history of breast and/or ovarian cancer (PMID: 22438049, 26287763, 29446198, 29470806). ClinVar contains an entry for this variant (Variation ID: 125768). Experimental studies have shown that disruption of this splice site affects BRCA1 function (PMID: 30209399). Studies have shown that disruption of this splice site results in skipping of exon 17 (also known as exon 18), but is expected to preserve the integrity of the reading-frame (PMID: 23239986; Invitae). This variant disrupts a region of the BRCA1 protein in which other variant(s) (p.Ser1715Asn) have been determined to be pathogenic (PMID: 11157798, 20516115, 28781887, 30209399, 30765603; Invitae). This suggests that this is a clinically significant region of the protein, and that variants that disrupt it are likely to be disease-causing. For these reasons, this variant has been classified as Pathogenic.

Women's Health and Genetics/Laboratory Corporation of America, LabCorp
Classification: Pathogenic for Hereditary breast ovarian cancer syndrome. Last evaluated: 2022-02-07. Review status: criteria provided, single submitter. Criteria: LabCorp Variant Classification Summary - May 2015. Collection method: clinical testing. Allele origin: germline.
Comment: Variant summary: BRCA1 c.5152+1G>A is located in a canonical splice-site and is predicted to affect mRNA splicing resulting in a significantly altered protein due to either exon skipping, shortening, or inclusion of intronic material. Several computational tools predict a significant impact on normal splicing: Four predict the variant abolishes a 5 splicing donor site. However, these predictions have yet to be confirmed by functional studies. The variant was absent in 261128 control chromosomes (gnomAD, Palmer_2020). c.5152+1G>A has been reported in the literature in individuals affected with Breast And Ovarian Cancer (example: Pal_2015, Singh_2018, Anjum_2014, Rebbeck_2018). These data indicate that the variant is likely to be associated with disease. At least one publication reports experimental evidence evaluating an impact on protein function using saturated genome editing in a haploid cell-survival assay: the variant was found with a functional score supporting loss of function (Findlay_2018). Four ClinVar submitters, including one international consortium (CIMBA), have assessed the variant since 2014: all submitters classified the variant as pathogenic. Based on the evidence outlined above, the variant was classified as pathogenic.

Department of Molecular Diagnostics, Institute of Oncology Ljubljana
Classification: Pathogenic for Breast-ovarian cancer, familial, susceptibility to, 1. Last evaluated: 2020-04-02. Review status: criteria provided, single submitter. Criteria: ACMG Guidelines, 2015. Collection method: clinical testing. Allele origin: germline. Affected: yes.

Consortium of Investigators of Modifiers of BRCA1/2 (CIMBA), c/o University of Cambridge
Classification: Pathogenic for Breast-ovarian cancer, familial, susceptibility to, 1. Last evaluated: 2015-10-02. Review status: criteria provided, single submitter. Criteria: CIMBA Mutation Classification guidelines May 2016. Collection method: clinical testing. Allele origin: germline.

Sharing Clinical Reports Project (SCRP)
Classification: Pathogenic for Breast-ovarian cancer, familial 1. Last evaluated: 2011-03-09. Review status: no assertion criteria provided. Collection method: clinical testing. Allele origin: germline. Not counted in ClinVar's aggregate classification.

Breast Cancer Information Core (BIC) (BRCA1)
Classification: Pathogenic for Breast-ovarian cancer, familial 1. Last evaluated: 2009-04-28. Review status: no assertion criteria provided. Collection method: clinical testing. Allele origin: germline. Affected: yes. Observed: 1 variant allele. Not counted in ClinVar's aggregate classification.

Brotman Baty Institute, University of Washington
No classification provided (evidence only). Condition: Breast-ovarian cancer, familial 1. Review status: no classification provided. Collection method: in vitro. Allele origin: not applicable. Functional consequence: functionally_abnormal. Not counted in ClinVar's aggregate classification.
ClinVar note: "not provided" was previously submitted as the classification for the variant. However, the classification appeared to be based only on an observation of functional data so it was converted to no classification on 2025-07-30.

Literature cited by the submitters: PubMed 22438049 (cited by Labcorp Genetics (formerly Invitae), Labcorp); PubMed 26287763 (cited by Labcorp Genetics (formerly Invitae), Labcorp and Women's Health and Genetics/Laboratory Corporation of America, LabCorp); PubMed 29446198 (cited by Labcorp Genetics (formerly Invitae), Labcorp and Women's Health and Genetics/Laboratory Corporation of America, LabCorp); PubMed 29470806 (cited by Labcorp Genetics (formerly Invitae), Labcorp and Women's Health and Genetics/Laboratory Corporation of America, LabCorp); PubMed 30209399 (cited by Labcorp Genetics (formerly Invitae), Labcorp and Women's Health and Genetics/Laboratory Corporation of America, LabCorp); PubMed 23239986 (cited by Labcorp Genetics (formerly Invitae), Labcorp); PubMed 11157798 (cited by Labcorp Genetics (formerly Invitae), Labcorp); PubMed 20516115 (cited by Labcorp Genetics (formerly Invitae), Labcorp); PubMed 28781887 (cited by Labcorp Genetics (formerly Invitae), Labcorp); PubMed 30765603 (cited by Labcorp Genetics (formerly Invitae), Labcorp); PubMed 25248401 (cited by Women's Health and Genetics/Laboratory Corporation of America, LabCorp); PubMed 30982232 (cited by Women's Health and Genetics/Laboratory Corporation of America, LabCorp); PubMed 32427313 (cited by Women's Health and Genetics/Laboratory Corporation of America, LabCorp); PubMed 25067956 (cited by Women's Health and Genetics/Laboratory Corporation of America, LabCorp); PubMed 31141992 (cited by Women's Health and Genetics/Laboratory Corporation of America, LabCorp).

NM_007294.4(BRCA1):c.5152+1G>A

Gene: BRCA1 (BRCA1 DNA repair associated; minus strand). Cytogenetic location: 17q21.31.
Variant type: single nucleotide variant.
Coding change: c.5152+1G>A on transcript NM_007294.4 (MANE Select); the canonical splice donor site of the intron after coding-DNA position 5152, G replaced by A.
Molecular consequence: splice donor variant. On other transcripts: intron variant (2).
Genome position (GRCh38, 1-based): chr17:43,063,873, C>T on the plus strand (G>A on the coding strand, the complement: BRCA1 is on the minus strand). VCF-style: chr17-43063873-C-T. GRCh37 (hg19) VCF-style: chr17-41215890-C-T.
Other names: IVS18+1G>A; c.1717+1G>A (NM_001408436.1, NM_001408435.1, NM_001408444.1 and 10 more transcripts); c.5029+1G>A (NM_001407665.1, NM_001407938.1, NM_001407667.1 and 6 more transcripts); c.1840+1G>A (NM_001407980.1, NM_001407993.1, NM_001407985.1 and 12 more transcripts); c.1843+1G>A (NM_001407976.1, NM_001407974.1, NM_001407973.1 and 3 more transcripts); c.5149+1G>A (NM_001407618.1, NM_001407613.1, NM_001407614.1 and 17 more transcripts); c.5152+1G>A (NM_001407603.1, NM_001407854.1, NM_001407598.1 and 7 more transcripts); c.1708+1G>A (NM_001408451.1); and 74 more.
Identifiers: ClinVar variation 125768 (VCV000125768.23), dbSNP rs80358094, ClinGen allele CA003279.